The following is an entry in ClinVar:

ClinVar aggregate classification (germline): Uncertain significance. Review status: criteria provided, multiple submitters, no conflicts (2 of 4 stars). 2 submissions from 2 submitters: Uncertain significance (2). Last evaluated 2024-07-27.

Conditions:
Inborn genetic diseases. Identifiers: MedGen C0950123, MeSH D030342.

Allele frequency attached by ClinVar (database versions not stated): gnomAD 0.00001 and 0.00002; TOPMed 0.00006; ExAC 0.00008; gnomAD exomes 0.00008; 1000 Genomes Project 0.00020; 1000 Genomes Project 30x 0.00031.

Submissions (2):

Ambry Genetics
Classification: Uncertain significance for Inborn genetic diseases. Last evaluated: 2024-07-27. Review status: criteria provided, single submitter. Criteria: Ambry Variant Classification Scheme 2023. Collection method: clinical testing. Allele origin: germline.

Labcorp Genetics (formerly Invitae), Labcorp
Classification: Uncertain significance. Last evaluated: 2022-07-06. Review status: criteria provided, single submitter. Criteria: Invitae Variant Classification Sherloc (09022015). Collection method: clinical testing. Allele origin: germline.
Comment: In summary, the available evidence is currently insufficient to determine the role of this variant in disease. Therefore, it has been classified as a Variant of Uncertain Significance. Algorithms developed to predict the effect of missense changes on protein structure and function (SIFT, PolyPhen-2, Align-GVGD) all suggest that this variant is likely to be tolerated. ClinVar contains an entry for this variant (Variation ID: 1431325). This variant has not been reported in the literature in individuals affected with CCDC8-related conditions. This variant is present in population databases (rs576712134, gnomAD 0.05%). This sequence change replaces glutamic acid, which is acidic and polar, with glutamine, which is neutral and polar, at codon 350 of the CCDC8 protein (p.Glu350Gln).

NM_032040.5(CCDC8):c.1048G>C (p.Glu350Gln)

Gene: CCDC8 (coiled-coil domain containing 8; minus strand). Cytogenetic location: 19q13.32.
Variant type: single nucleotide variant.
Coding change: c.1048G>C on transcript NM_032040.5 (MANE Select); coding-DNA position 1048, G replaced by C.
Protein change: p.Glu350Gln; replaces glutamic acid 350 with glutamine.
Molecular consequence: missense variant.
Genome position (GRCh38, 1-based): chr19:46,411,763, C>G on the plus strand (G>C on the coding strand, the complement: CCDC8 is on the minus strand). VCF-style: chr19-46411763-C-G. GRCh37 (hg19) VCF-style: chr19-46915020-C-G.
Other names: c.1048G>C (NM_032040.3); short protein forms E350Q.
Identifiers: ClinVar variation 1431325 (VCV001431325.7), dbSNP rs576712134, ClinGen allele CA9528554.